The following is an entry in ClinVar:

NM_022336.4(EDAR):c.208G>A (p.Gly70Ser)

Genes: EDAR (ectodysplasin A receptor; minus strand), RANBP2 (RAN binding protein 2; plus strand). Cytogenetic location: 2q13.
Variant type: single nucleotide variant.
Coding change: c.208G>A on transcript NM_022336.4 (MANE Select); coding-DNA position 208, G replaced by A.
Protein change: p.Gly70Ser; replaces glycine 70 with serine.
Molecular consequence: missense variant.
Genome position (GRCh38, 1-based): chr2:108,929,346, C>T on the plus strand (G>A on the coding strand, the complement: EDAR is on the minus strand). VCF-style: chr2-108929346-C-T. GRCh37 (hg19) VCF-style: chr2-109545802-C-T.
Other names: short protein forms G70S.
Identifiers: ClinVar variation 894156 (VCV000894156.4), dbSNP rs759735008, ClinGen allele CA1825153.

ClinVar aggregate classification (germline): Uncertain significance (1 of 4 stars; one submission).

Conditions:
Hypohidrotic ectodermal dysplasia (HED). Identifiers: Orphanet 238468, MedGen C5848103, MONDO:0016535, HP:0007607.

Allele frequency attached by ClinVar (database versions not stated): gnomAD exomes 0.00002 and below 0.00001; ExAC 0.00001; TOPMed 0.00003; gnomAD 0.00004 and 0.00003.
gnomAD v4.1: 28 of 1,613,994 alleles (0.0017%); highest among the groups gnomAD compares: African/African-American, 0.004%; no homozygotes.

Submission:

Illumina Laboratory Services, Illumina
Classification: Uncertain significance for Hypohidrotic ectodermal dysplasia. Last evaluated: 2018-03-23. Review status: criteria provided, single submitter. Criteria: ICSL Variant Classification Criteria 13 December 2019. Collection method: clinical testing. Allele origin: germline.
Comment: This variant was observed as part of a predisposition screen in an ostensibly healthy population. A literature search was performed for the gene, cDNA change, and amino acid change (where applicable). Publications were found based on this search. However, the evidence from the literature, in combination with allele frequency data from public databases where available, was not sufficient to rule this variant in or out of causing disease. Therefore, this variant is classified as a variant of unknown significance.

Literature cited by the submitters: PubMed 28808699.